The following is an entry in ClinVar:

NM_032520.5(GNPTG):c.527-2_527-1del

Gene: GNPTG (N-acetylglucosamine-1-phosphate transferase subunit gamma; plus strand). Cytogenetic location: 16p13.3.
Variant type: Deletion.
Coding change: c.527-2_527-1del on transcript NM_032520.5 (MANE Select); the canonical splice acceptor site of the intron before coding-DNA position 527, 2 bases deleted (AG; older notation c.527-2_527-1delAG).
Molecular consequence: splice acceptor variant.
Genome position (GRCh38, 1-based): chr16:1,362,450-1,362,451, AG deleted. VCF-style (leftmost placement, unchanged base first): chr16-1362449-CAG-C. GRCh37 (hg19) VCF-style: chr16-1412450-CAG-C.
Identifiers: ClinVar variation 4081699 (VCV004081699.1).

ClinVar aggregate classification (germline): Likely pathogenic (1 of 4 stars; one submission).

Conditions:
GNPTG-mucolipidosis. Also called: MUCOLIPIDOSIS III, VARIANT FORM; MUCOLIPIDOSIS III, COMPLEMENTATION GROUP C; MUCOLIPIDOSIS III, IRANIAN VARIANT FORM; ML III GAMMA; ML IIIC; Mucolipidosis type III gamma. Identifiers: Orphanet 423470, Orphanet 577, MedGen C1854896, MONDO:0009652, OMIM 252605.

Submission:

Myriad Genetics, Inc.
Classification: Likely pathogenic for GNPTG-mucolipidosis. Last evaluated: 2025-06-18. Review status: criteria provided, single submitter. Criteria: Myriad Autosomal Dominant, Autosomal Recessive and X-Linked Classification Criteria (2023). Collection method: clinical testing. Allele origin: unknown.
Comment: NM_032520.4(GNPTG):c.527-2_527-1delAG is a variant in a canonical splice site classified as likely pathogenic in the context of mucolipidosis III gamma. c.527-2_527-1delAG has not been observed in cases with relevant disease. Relevant functional assessments of this variant are not available in the literature. c.527-2_527-1delAG has not been observed in referenced population frequency databases. In summary, NM_032520.4(GNPTG):c.527-2_527-1delAG is a variant in a canonical splice site in a gene where loss of function is a known mechanism of disease and is predicted to disrupt protein function. Please note: this variant was assessed in the context of healthy population screening.